The following is an entry in ClinVar:

NM_033159.4(HYAL1):c.775C>T (p.Gln259Ter)

Gene: HYAL1 (hyaluronidase 1; minus strand). Cytogenetic location: 3p21.31.
Variant type: single nucleotide variant.
Coding change: c.775C>T on transcript NM_033159.4 (MANE Select); coding-DNA position 775, C replaced by T.
Protein change: p.Gln259Ter; replaces glutamine 259 with a stop codon.
Molecular consequence: nonsense. On other transcripts: 5 prime UTR variant (1), non-coding transcript variant (1).
Genome position (GRCh38, 1-based): chr3:50,302,182, G>A on the plus strand (C>T on the coding strand, the complement: HYAL1 is on the minus strand). VCF-style: chr3-50302182-G-A. GRCh37 (hg19) VCF-style: chr3-50339613-G-A.
Other names: c.775C>T, p.Gln259Ter (NM_007312.3, NM_153281.2, NM_153282.3); c.229C>T, p.Gln77Ter (NM_153283.3); c.-3C>T (NM_153285.3); short protein forms Q259*, Q77*.
Identifiers: ClinVar variation 2866304 (VCV002866304.3), dbSNP rs2470850104, ClinGen allele CA352892624.

ClinVar aggregate classification (germline): Pathogenic (1 of 4 stars; one submission).

Conditions:
Deficiency of hyaluronoglucosaminidase (MPS9). Also called: Mucopolysaccharidosis type 9; HYALURONIDASE DEFICIENCY; MPS IX. Identifiers: Orphanet 67041, MedGen C1291490, MONDO:0011093, OMIM 601492.

Submission:

Labcorp Genetics (formerly Invitae), Labcorp
Classification: Pathogenic for Deficiency of hyaluronoglucosaminidase. Last evaluated: 2023-05-20. Review status: criteria provided, single submitter. Criteria: Invitae Variant Classification Sherloc (09022015). Collection method: clinical testing. Allele origin: germline.
Comment: This sequence change creates a premature translational stop signal (p.Gln259*) in the HYAL1 gene. It is expected to result in an absent or disrupted protein product. Loss-of-function variants in HYAL1 are known to be pathogenic (PMID: 10339581, 21559944). For these reasons, this variant has been classified as Pathogenic. This variant has not been reported in the literature in individuals affected with HYAL1-related conditions. This variant is not present in population databases (gnomAD no frequency).

Literature cited by the submitters: PubMed 10339581; PubMed 21559944.